The following is an entry in ClinVar:

ClinVar aggregate classification (germline): Likely benign (0 of 4 stars; one submission).

Conditions:
ADIPOR2-related disorder. Also called: ADIPOR2-related condition.

Allele frequency attached by ClinVar (database versions not stated): gnomAD exomes below 0.00001.

Submission:

PreventionGenetics, part of Exact Sciences
Classification: Likely benign for ADIPOR2-related condition. Last evaluated: 2023-12-05. Review status: no assertion criteria provided. Collection method: clinical testing. Allele origin: germline.
Comment: This variant is classified as likely benign based on ACMG/AMP sequence variant interpretation guidelines (Richards et al. 2015 PMID: 25741868, with internal and published modifications).

NM_024551.3(ADIPOR2):c.-2C>T

Gene: ADIPOR2 (adiponectin receptor 2; plus strand). Cytogenetic location: 12p13.33.
Variant type: single nucleotide variant.
Coding change: c.-2C>T on transcript NM_024551.3 (MANE Select); 2 bases upstream of the start codon, C replaced by T.
Molecular consequence: 5 prime UTR variant.
Genome position (GRCh38, 1-based): chr12:1,754,342, C>T. VCF-style: chr12-1754342-C-T. GRCh37 (hg19) VCF-style: chr12-1863508-C-T.
Other names: c.-2C>T (NM_001375363.1, NM_001375364.1, NM_001375365.1).
Identifiers: ClinVar variation 3046608 (VCV003046608.2), dbSNP rs2497512453, ClinGen allele CA2617033758.